The following is an entry in ClinVar:

ClinVar aggregate classification (germline): Uncertain significance. Review status: criteria provided, multiple submitters, no conflicts (2 of 4 stars). 2 submissions from 2 submitters: Uncertain significance (2). Last evaluated 2023-09-26.

Submissions (2):

GeneDx
Classification: Uncertain significance. Last evaluated: 2023-09-26. Review status: criteria provided, single submitter. Criteria: GeneDx Variant Classification Process June 2021. Collection method: clinical testing. Allele origin: germline. Affected: yes.
Comment: Not observed at significant frequency in large population cohorts (gnomAD); In silico analysis supports that this missense variant does not alter protein structure/function; Has not been previously published as pathogenic or benign to our knowledge

Quest Diagnostics Nichols Institute San Juan Capistrano
Classification: Uncertain significance. Last evaluated: 2021-07-13. Review status: criteria provided, single submitter. Criteria: Quest Diagnostics criteria. Collection method: clinical testing. Allele origin: unknown.

NM_004168.4(SDHA):c.1816T>C (p.Tyr606His)

Gene: SDHA (succinate dehydrogenase complex flavoprotein subunit A; plus strand). Cytogenetic location: 5p15.33.
Variant type: single nucleotide variant.
Coding change: c.1816T>C on transcript NM_004168.4 (MANE Select); coding-DNA position 1816, T replaced by C.
Protein change: p.Tyr606His; replaces tyrosine 606 with histidine.
Molecular consequence: missense variant.
Genome position (GRCh38, 1-based): chr5:254,414, T>C. VCF-style: chr5-254414-T-C. GRCh37 (hg19) VCF-style: chr5-254529-T-C.
Other names: c.1672T>C, p.Tyr558His (NM_001294332.2); c.1573T>C, p.Tyr525His (NM_001330758.2); c.1816T>C (NM_004168.2); short protein forms Y525H, Y558H, Y606H.
Identifiers: ClinVar variation 1809573 (VCV001809573.2), dbSNP rs17400614, ClinGen allele CA112784139.
Genomic context (GRCh38, chr5:254,414, plus strand): 5'-TTAGAGTAATAAGAAACGTGATGGTGTTTCTGGCCTCAGGTGCGGATTGATGAGTACGAT[T>C]ACTCCAAGCCCATCCAGGGGCAACAGAAGAAGCCCTTTGAGGAGCACTGGAGGAAGCACA-3'
Protein context (NP_004159.2, residues 596-616): DYKVRIDEYD[Tyr606His]SKPIQGQQKK